The following is an entry in ClinVar:

NM_001042492.3(NF1):c.1186-8T>C

Gene: NF1 (neurofibromin 1; plus strand). Cytogenetic location: 17q11.2.
Variant type: single nucleotide variant.
Coding change: c.1186-8T>C on transcript NM_001042492.3 (MANE Select); 8 bases into the intron before coding-DNA position 1186, T replaced by C.
Molecular consequence: intron variant.
Genome position (GRCh38, 1-based): chr17:31,201,403, T>C. VCF-style: chr17-31201403-T-C. GRCh37 (hg19) VCF-style: chr17-29528421-T-C.
Other names: c.1186-8T>C (NM_000267.4, NM_001128147.3).
Identifiers: ClinVar variation 561861 (VCV000561861.8), dbSNP rs921012432, ClinGen allele CA289349448.

ClinVar aggregate classification (germline): Likely benign. Review status: criteria provided, multiple submitters, no conflicts (2 of 4 stars). 3 submissions from 3 submitters: Likely benign (3). Last evaluated 2025-05-23.

Conditions:
Neurofibromatosis, type 1 (NF1). Also called: VON RECKLINGHAUSEN DISEASE; NEUROFIBROMATOSIS, TYPE I, SOMATIC; Peripheral type neurofibromatosis; Neurofibromatosis, type I. Identifiers: Orphanet 636, MedGen C0027831, MONDO:0018975, OMIM 162200. Disease mechanism: loss of function.

Allele frequency attached by ClinVar (database versions not stated): gnomAD exomes below 0.00001 and 0.00001; TOPMed below 0.00001.
gnomAD v4.1: 3 of 1,607,866 alleles (0.00019%); highest among the groups gnomAD compares: Non-Finnish European, 0.00026%; no homozygotes.

Submissions (3):

Labcorp Genetics (formerly Invitae), Labcorp
Classification: Likely benign for Neurofibromatosis, type 1. Last evaluated: 2025-05-23. Review status: criteria provided, single submitter. Criteria: Invitae Variant Classification Sherloc (09022015). Collection method: clinical testing. Allele origin: germline.

Genome-Nilou Lab
Classification: Likely benign for Neurofibromatosis, type 1. Last evaluated: 2022-03-15. Review status: criteria provided, single submitter. Criteria: ACMG Guidelines, 2015. Collection method: clinical testing. Allele origin: germline. Affected: no.

GeneDx
Classification: Likely benign. Last evaluated: 2018-05-30. Review status: criteria provided, single submitter. Criteria: GeneDx Variant Classification (06012015). Collection method: clinical testing. Allele origin: germline. Affected: yes.
Comment: This variant is considered likely benign or benign based on one or more of the following criteria: it is a conservative change, it occurs at a poorly conserved position in the protein, it is predicted to be benign by multiple in silico algorithms, and/or has population frequency not consistent with disease.